The following is an entry in ClinVar:

ClinVar aggregate classification (germline): Conflicting classifications of pathogenicity. Review status: criteria provided, conflicting classifications (1 of 4 stars). 6 submissions from 6 submitters: Uncertain significance (5); Likely benign (1). Last evaluated 2025-11-05.

Conditions:
Cardiomyopathy (CMYO). Also called: Cardiomyopathies. Identifiers: Orphanet 167848, MedGen C0878544, MONDO:0004994, HP:0001638. Inheritance: Various modes of inheritance.
Myofibrillar myopathy 4. Also called: Zaspopathy (type). Identifiers: Orphanet 98912, MedGen C4721886, MONDO:0012277, OMIM 609452.
LDB3-related disorder. Also called: LDB3-related condition.
Cardiovascular phenotype. Identifiers: MedGen CN230736.

Allele frequency attached by ClinVar (database versions not stated): gnomAD 0.00002; TOPMed 0.00003; gnomAD exomes 0.00006; ExAC 0.00007; ESP Exome Variant Server 0.00008.
gnomAD v4.1: 103 of 1,612,578 alleles (0.0064%); highest among the groups gnomAD compares: Non-Finnish European, 0.0077%; no homozygotes.

Submissions (6):

Labcorp Genetics (formerly Invitae), Labcorp
Classification: Uncertain significance for Myofibrillar myopathy 4. Last evaluated: 2025-11-05. Review status: criteria provided, single submitter. Criteria: Invitae Variant Classification Sherloc (09022015). Collection method: clinical testing. Allele origin: germline.
Comment: The LDB3 gene has multiple clinically relevant transcripts. This variant occurs in alternate transcript NM_007078.3, and corresponds to NM_001080116.1:c.*17156G>A in the primary transcript. This sequence change replaces glycine, which is neutral and non-polar, with arginine, which is basic and polar, at codon 479 of the LDB3 protein (p.Gly479Arg). This variant is present in population databases (rs370521488, gnomAD 0.01%). This variant has not been reported in the literature in individuals affected with LDB3-related conditions. ClinVar contains an entry for this variant (Variation ID: 807925). Experimental studies and prediction algorithms are not available or were not evaluated, and the functional significance of this variant is currently unknown. In summary, the available evidence is currently insufficient to determine the role of this variant in disease. Therefore, it has been classified as a Variant of Uncertain Significance.

Laboratory of Genetics, Children's Clinical University Hospital Latvia
Classification: Likely benign. Last evaluated: 2025-02-16. Review status: criteria provided, single submitter. Criteria: ACMG Guidelines, 2015. Collection method: clinical testing. Allele origin: germline. Affected: yes.

PreventionGenetics, part of Exact Sciences
Classification: Uncertain significance for LDB3-related condition. Last evaluated: 2025-01-07. Review status: criteria provided, single submitter. Criteria: ACMG Guidelines, 2015. Collection method: clinical testing. Allele origin: germline.
Comment: The LDB3 c.1105G>A variant is predicted to result in the amino acid substitution p.Gly369Arg. This variant has been reported in an individual with hypertrophic cardiomyopathy and myofibrillar myopathy (described as p.Gly479Arg, Svaguša et al. 2024. PubMed ID: 38992921). This variant is reported in 0.0099% of alleles in individuals of European (Non-Finnish) descent in gnomAD. At this time, the clinical significance of this variant is uncertain due to the absence of conclusive functional and genetic evidence.

Ambry Genetics
Classification: Uncertain significance for Cardiovascular phenotype. Last evaluated: 2022-10-14. Review status: criteria provided, single submitter. Criteria: Ambry Variant Classification Scheme 2023. Collection method: clinical testing. Allele origin: germline.
Comment: The p.G479R variant (also known as c.1435G>A), located in coding exon 9 of the LDB3 gene, results from a G to A substitution at nucleotide position 1435. The glycine at codon 479 is replaced by arginine, an amino acid with dissimilar properties. This amino acid position is well conserved in available vertebrate species; however, arginine is the reference amino acid in other vertebrate species. In addition, this alteration is predicted to be tolerated by in silico analysis. Since supporting evidence is limited at this time, the clinical significance of this alteration remains unclear.

CHEO Genetics Diagnostic Laboratory, Children's Hospital of Eastern Ontario
Classification: Uncertain significance for Cardiomyopathy. Last evaluated: 2021-04-01. Review status: criteria provided, single submitter. Criteria: ACMG Guidelines, 2015. Collection method: clinical testing. Allele origin: germline.

ARUP Laboratories, Molecular Genetics and Genomics, ARUP Laboratories
Classification: Uncertain significance. Last evaluated: 2021-03-02. Review status: criteria provided, single submitter. Criteria: ARUP Molecular Germline Variant Investigation Process 2021. Collection method: clinical testing. Allele origin: germline.
Comment: The LDB3 c.1435G>A; p.Gly479Arg variant (rs370521488), to our knowledge, is not reported in the medical literature but is reported in ClinVar (Variation ID: 807925). This variant is found in the general population with an allele frequency of 0.006% (15/249002 alleles) in the Genome Aggregation Database. The Glycine at codon 479 is weakly conserved, and computational analyses predict that this variant is neutral (REVEL: 0.016). However, given the lack of clinical and functional data, the significance of the p.Gly479Arg variant is uncertain at this time.

NM_007078.3(LDB3):c.1435G>A (p.Gly479Arg)

Gene: LDB3 (LIM domain binding 3; plus strand). Cytogenetic location: 10q23.2.
Variant type: single nucleotide variant.
Coding change: c.1435G>A on transcript NM_007078.3 (MANE Select); coding-DNA position 1435, G replaced by A.
Protein change: p.Gly479Arg; replaces glycine 479 with arginine.
Molecular consequence: missense variant.
Genome position (GRCh38, 1-based): chr10:86,716,530, G>A. VCF-style: chr10-86716530-G-A. GRCh37 (hg19) VCF-style: chr10-88476287-G-A.
Other names: c.1105G>A, p.Gly369Arg (NM_001080114.2); c.1450G>A, p.Gly484Arg (NM_001171610.2); c.1246G>A, p.Gly416Arg (NM_001368064.1, NM_001368065.1); c.1294G>A, p.Gly432Arg (NM_001368066.1); c.1105G>A (NM_001080114.1); short protein forms G479R, G484R, G369R, G416R, G432R.
Identifiers: ClinVar variation 807925 (VCV000807925.29), dbSNP rs370521488, ClinGen allele CA5585160.